The following is an entry in ClinVar:

ClinVar aggregate classification (germline): Conflicting classifications of pathogenicity. Review status: criteria provided, conflicting classifications (1 of 4 stars). 6 submissions from 6 submitters: Uncertain significance (4); Benign (1); Likely benign (1). Last evaluated 2026-04-14.

Conditions:
Familial isolated arrhythmogenic right ventricular dysplasia. Identifiers: Orphanet 217656, MedGen C4274968, MONDO:0016342.
Cardiomyopathy (CMYO). Also called: Cardiomyopathies. Identifiers: Orphanet 167848, MedGen C0878544, MONDO:0004994, HP:0001638. Inheritance: Various modes of inheritance.
Arrhythmogenic right ventricular dysplasia 11. Also called: ARRHYTHMOGENIC RIGHT VENTRICULAR DYSPLASIA, FAMILIAL, 11; Arrhythmogenic Right Ventricular Dysplasia/Cardiomyopathy11; Arrhythmogenic right ventricular dysplasia 11 with mild palmoplantar keratoderma and woolly hair. Identifiers: MedGen C1864850, MONDO:0012506, OMIM 610476.
Cardiovascular phenotype. Identifiers: MedGen CN230736.

Allele frequency attached by ClinVar (database versions not stated): ExAC 0.00002; TOPMed 0.00004; 1000 Genomes Project 0.00060; 1000 Genomes Project 30x 0.00078; gnomAD exomes 0.00001 and 0.00002; gnomAD 0.00008 and 0.00010.
gnomAD v4.1: 25 of 1,613,490 alleles (0.0015%); highest among the groups gnomAD compares: African/African-American, 0.032%; no homozygotes.

Submissions (6):

GeneDx
Classification: Uncertain significance. Last evaluated: 2026-04-14. Review status: criteria provided, single submitter. Criteria: GeneDx Variant Classification Process June 2021. Collection method: clinical testing. Allele origin: germline.
Comment: Identified in patient(s) with cardiomyopathy in published literature (PMID: 31983221); In silico analysis suggests that this missense variant does not alter protein structure/function; This variant is associated with the following publications: (PMID: 31983221)

Labcorp Genetics (formerly Invitae), Labcorp
Classification: Uncertain significance for Arrhythmogenic right ventricular dysplasia 11. Last evaluated: 2025-11-03. Review status: criteria provided, single submitter. Criteria: Invitae Variant Classification Sherloc (09022015). Collection method: clinical testing. Allele origin: germline.
Comment: This sequence change replaces serine, which is neutral and polar, with threonine, which is neutral and polar, at codon 99 of the DSC2 protein (p.Ser99Thr). This variant is present in population databases (rs199714872, gnomAD 0.03%). This missense change has been observed in individual(s) with dilated cardiomyopathy (PMID: 31983221). ClinVar contains an entry for this variant (Variation ID: 582953). Invitae Evidence Modeling of protein sequence and biophysical properties (such as structural, functional, and spatial information, amino acid conservation, physicochemical variation, residue mobility, and thermodynamic stability) indicates that this missense variant is not expected to disrupt DSC2 protein function with a negative predictive value of 80%. In summary, the available evidence is currently insufficient to determine the role of this variant in disease. Therefore, it has been classified as a Variant of Uncertain Significance.

Color Diagnostics, LLC DBA Color Health
Classification: Likely benign for Cardiomyopathy. Last evaluated: 2025-09-30. Review status: criteria provided, single submitter. Criteria: ACMG Guidelines, 2015. Collection method: clinical testing. Allele origin: germline.

All of Us Research Program, National Institutes of Health
Classification: Uncertain significance for Familial isolated arrhythmogenic right ventricular dysplasia. Last evaluated: 2024-01-11. Review status: criteria provided, single submitter. Criteria: ACMG Guidelines, 2015. Collection method: clinical testing. Allele origin: germline. Inheritance: Autosomal dominant inheritance. Observed: 3 variant alleles, 3 heterozygotes.
Comment: Variant of Uncertain Significance due to insufficient evidence: This missense variant is located in the propeptide sequence of the DSC2 protein. Computational prediction tools and conservation analyses are inconclusive regarding the impact of this variant on the protein function. Computational splicing tools suggest that this variant may not impact RNA splicing. To our knowledge, functional assays have not been performed for this variant nor has this variant been reported in individuals affected with cardiovascular disorders in the literature. This variant has been identified in 8/276650 chromosomes in the general population by the Genome Aggregation Database (gnomAD). Available evidence is insufficient to determine the pathogenicity of this variant conclusively.

This study involves interpretation of variants in research participants for the purpose of population health screening. Participant phenotype was not available at the time of variant classification. Additional details can be found in publication PMID: 35346344, PMCID: PMC8962531

Ambry Genetics
Classification: Benign for Cardiovascular phenotype. Last evaluated: 2023-12-08. Review status: criteria provided, single submitter. Criteria: Ambry Variant Classification Scheme 2023. Collection method: clinical testing. Allele origin: germline.

Fulgent Genetics
Classification: Uncertain significance for Arrhythmogenic right ventricular dysplasia 11. Last evaluated: 2021-09-15. Review status: criteria provided, single submitter. Criteria: ACMG Guidelines, 2015. Collection method: clinical testing. Allele origin: unknown.

Literature cited by the submitters: PubMed 31983221 (cited by Labcorp Genetics (formerly Invitae), Labcorp and Ambry Genetics).

NM_024422.6(DSC2):c.295T>A (p.Ser99Thr)

Gene: DSC2 (desmocollin 2; minus strand). Cytogenetic location: 18q12.1.
Variant type: single nucleotide variant.
Coding change: c.295T>A on transcript NM_024422.6 (MANE Select); coding-DNA position 295, T replaced by A.
Protein change: p.Ser99Thr; replaces serine 99 with threonine.
Molecular consequence: missense variant.
Genome position (GRCh38, 1-based): chr18:31,092,160, A>T on the plus strand (T>A on the coding strand, the complement: DSC2 is on the minus strand). VCF-style: chr18-31092160-A-T. GRCh37 (hg19) VCF-style: chr18-28672123-A-T.
Other names: c.295T>A, p.Ser99Thr (NM_004949.5); short protein forms S99T.
Identifiers: ClinVar variation 582953 (VCV000582953.19), dbSNP rs199714872, ClinGen allele CA037617.